The following is an entry in ClinVar:

ClinVar aggregate classification (germline): Pathogenic (1 of 4 stars; one submission).

gnomAD v4.1: 1 of 1,613,712 alleles (0.000062%); highest among the groups gnomAD compares: African/African-American, 0.0013%; no homozygotes.

Submission:

Labcorp Genetics (formerly Invitae), Labcorp
Classification: Pathogenic. Last evaluated: 2025-08-06. Review status: criteria provided, single submitter. Criteria: Invitae Variant Classification Sherloc (09022015). Collection method: clinical testing. Allele origin: germline.
Comment: This sequence change creates a premature translational stop signal (p.Trp744*) in the TRPM6 gene. It is expected to result in an absent or disrupted protein product. Loss-of-function variants in TRPM6 are known to be pathogenic (PMID: 16107578). This variant is not present in population databases (gnomAD no frequency). This variant has not been reported in the literature in individuals affected with TRPM6-related conditions. For these reasons, this variant has been classified as Pathogenic.

Literature cited by the submitters: PubMed 16107578.

NM_017662.5(TRPM6):c.2232G>A (p.Trp744Ter)

Gene: TRPM6 (transient receptor potential cation channel subfamily M member 6; minus strand). Cytogenetic location: 9q21.13.
Variant type: single nucleotide variant.
Coding change: c.2232G>A on transcript NM_017662.5 (MANE Select); coding-DNA position 2232, G replaced by A.
Protein change: p.Trp744Ter; replaces tryptophan 744 with a stop codon.
Molecular consequence: nonsense.
Genome position (GRCh38, 1-based): chr9:74,800,260, C>T on the plus strand (G>A on the coding strand, the complement: TRPM6 is on the minus strand). VCF-style: chr9-74800260-C-T. GRCh37 (hg19) VCF-style: chr9-77415176-C-T.
Other names: c.2217G>A, p.Trp739Ter (NM_001177310.2, NM_001177311.2); short protein forms W744*, W739*.
Identifiers: ClinVar variation 4711636 (VCV004711636.1).